The following is an entry in ClinVar:

ClinVar aggregate classification (germline): Uncertain significance (1 of 4 stars; one submission).

Conditions:
Inborn genetic diseases. Identifiers: MedGen C0950123, MeSH D030342.

Submission:

Ambry Genetics
Classification: Uncertain significance for Inborn genetic diseases. Last evaluated: 2020-12-01. Review status: criteria provided, single submitter. Criteria: Ambry Variant Classification Scheme 2023. Collection method: clinical testing. Allele origin: germline.
Comment: The p.P2256H variant (also known as c.6767C>A), located in coding exon 33 of the DYNC1H1 gene, results from a C to A substitution at nucleotide position 6767. The proline at codon 2256 is replaced by histidine, an amino acid with similar properties. This amino acid position is highly conserved in available vertebrate species. In addition, this alteration is predicted to be deleterious by in silico analysis. Since supporting evidence is limited at this time, the clinical significance of this alteration remains unclear.

NM_001376.5(DYNC1H1):c.6767C>A (p.Pro2256His)

Gene: DYNC1H1 (dynein cytoplasmic 1 heavy chain 1; plus strand). Cytogenetic location: 14q32.31.
Variant type: single nucleotide variant.
Coding change: c.6767C>A on transcript NM_001376.5 (MANE Select); coding-DNA position 6767, C replaced by A.
Protein change: p.Pro2256His; replaces proline 2256 with histidine.
Molecular consequence: missense variant.
Genome position (GRCh38, 1-based): chr14:102,012,023, C>A. VCF-style: chr14-102012023-C-A. GRCh37 (hg19) VCF-style: chr14-102478360-C-A.
Other names: short protein forms P2256H.
Identifiers: ClinVar variation 1755320 (VCV001755320.2), dbSNP rs2503756742, ClinGen allele CA391057754.